The following is an entry in ClinVar:

ClinVar aggregate classification (germline): Uncertain significance. Review status: criteria provided, multiple submitters, no conflicts (2 of 4 stars). 2 submissions from 2 submitters: Uncertain significance (2). Last evaluated 2025-11-24.

Conditions:
Familial adenomatous polyposis 1 (FAP1). Also called: FAMILIAL ADENOMATOUS POLYPOSIS 1, ATTENUATED; POLYPOSIS, ADENOMATOUS INTESTINAL. Identifiers: MedGen C2713442, MONDO:0021056, OMIM 175100. Disease mechanism: loss of function.
Hereditary cancer-predisposing syndrome. Also called: Neoplastic Syndromes, Hereditary; Tumor predisposition; Hereditary Cancer Syndrome; Hereditary neoplastic syndrome. Identifiers: Orphanet 140162, MedGen C0027672, MeSH D009386, MONDO:0015356.

Submissions (2):

Labcorp Genetics (formerly Invitae), Labcorp
Classification: Uncertain significance for Familial adenomatous polyposis 1. Last evaluated: 2025-11-24. Review status: criteria provided, single submitter. Criteria: Invitae Variant Classification Sherloc (09022015). Collection method: clinical testing. Allele origin: germline.
Comment: This sequence change replaces arginine, which is basic and polar, with methionine, which is neutral and non-polar, at codon 401 of the APC protein (p.Arg401Met). This variant is not present in population databases (gnomAD no frequency). This variant has not been reported in the literature in individuals affected with APC-related conditions. ClinVar contains an entry for this variant (Variation ID: 3635406). Invitae Evidence Modeling of protein sequence and biophysical properties (such as structural, functional, and spatial information, amino acid conservation, physicochemical variation, residue mobility, and thermodynamic stability) indicates that this missense variant is not expected to disrupt APC protein function with a negative predictive value of 95%. In summary, the available evidence is currently insufficient to determine the role of this variant in disease. Therefore, it has been classified as a Variant of Uncertain Significance.

Color Diagnostics, LLC DBA Color Health
Classification: Uncertain significance for Hereditary cancer-predisposing syndrome. Last evaluated: 2025-07-17. Review status: criteria provided, single submitter. Criteria: ACMG Guidelines, 2015. Collection method: clinical testing. Allele origin: germline.
Comment: This missense variant replaces arginine with methionine at codon 401 of the APC protein. Computational prediction suggests that this variant may not impact protein structure and function. To our knowledge, functional studies have not been reported for this variant. This variant has not been reported in individuals affected with APC-related disorders in the literature. This variant has not been identified in the general population by the Genome Aggregation Database (gnomAD). The available evidence is insufficient to determine the role of this variant in disease conclusively. Therefore, this variant is classified as a Variant of Uncertain Significance.

NM_000038.6(APC):c.1202G>T (p.Arg401Met)

Gene: APC (APC regulator of Wnt signaling pathway; plus strand). Cytogenetic location: 5q22.2.
Variant type: single nucleotide variant.
Coding change: c.1202G>T on transcript NM_000038.6 (MANE Select); coding-DNA position 1202, G replaced by T.
Protein change: p.Arg401Met; replaces arginine 401 with methionine.
Molecular consequence: missense variant. On other transcripts: non-coding transcript variant (2), intron variant (15).
Genome position (GRCh38, 1-based): chr5:112,819,234, G>T. VCF-style: chr5-112819234-G-T. GRCh37 (hg19) VCF-style: chr5-112154931-G-T.
Other names: c.1148G>T, p.Arg383Met (NM_001127511.3); c.1202G>T, p.Arg401Met (NM_001354895.2, NM_001354896.2, NM_001407447.1 and 4 more transcripts); c.1232G>T, p.Arg411Met (NM_001354897.2, NM_001407446.1); c.1127G>T, p.Arg376Met (NM_001354898.2, NM_001407451.1); c.1118G>T, p.Arg373Met (NM_001354899.2, NM_001407452.1); c.1025G>T, p.Arg342Met (NM_001354900.2, NM_001354901.2, NM_001407453.1); c.353G>T, p.Arg118Met (NM_001354906.2, NM_001407470.1); c.85-35G>T (NM_001407472.1, NM_001407471.1); and 5 more; short protein forms R376M, R411M, R373M, R401M, R342M, R383M, R118M.
Identifiers: ClinVar variation 3635406 (VCV003635406.3).